The following is an entry in ClinVar:

NM_004006.3(DMD):c.3388_3389dup (p.Leu1131fs)

Gene: DMD (dystrophin; minus strand). Cytogenetic location: Xp21.1.
Variant type: Duplication.
Coding change: c.3388_3389dup on transcript NM_004006.3 (MANE Select); coding-DNA positions 3388 to 3389, 2 bases duplicated (GA; older notation c.3388_3389dupGA).
Protein change: p.Leu1131fs; shifts the reading frame from leucine 1131.
Molecular consequence: frameshift variant.
Genome position (GRCh38, 1-based): chrX:32,463,482-32,463,483, TC duplicated on the plus strand (GA on the coding strand, the reverse complement: DMD is on the minus strand); duplicating any 2 consecutive bases within chrX:32,463,482-32,463,484 gives the same sequence; the c. name uses the placement nearest the transcript's 3' end. VCF-style (leftmost placement, unchanged base first): chrX-32463481-T-TTC. GRCh37 (hg19) VCF-style: chrX-32481598-T-TTC.
Other names: c.3364_3365dup, p.Leu1123fs (NM_000109.4); c.3376_3377dup, p.Leu1127fs (NM_004009.3); c.3019_3020dup, p.Leu1008fs (NM_004010.3); c.3388_3389dupGA (NM_004006.2); short protein forms L1123fs, L1127fs, L1131fs, L1008fs.
Identifiers: ClinVar variation 526071 (VCV000526071.8), dbSNP rs1557369413, ClinGen allele CA658799649.

ClinVar aggregate classification (germline): Pathogenic. Review status: criteria provided, multiple submitters, no conflicts (2 of 4 stars). 2 submissions from 2 submitters: Pathogenic (2). Last evaluated 2019-05-28.

Conditions:
Duchenne muscular dystrophy (DMD). Also called: Duchenne Muscular Dystrophy (DMD); MUSCULAR DYSTROPHY, PSEUDOHYPERTROPHIC PROGRESSIVE, DUCHENNE TYPE. Identifiers: Orphanet 98896, MedGen C0013264, MONDO:0010679, OMIM 310200.

Submissions (2):

Mendelics
Classification: Pathogenic for Duchenne muscular dystrophy. Last evaluated: 2019-05-28. Review status: criteria provided, single submitter. Criteria: Mendelics Assertion Criteria 2017. Collection method: clinical testing. Allele origin: unknown.

Labcorp Genetics (formerly Invitae), Labcorp
Classification: Pathogenic for Duchenne muscular dystrophy. Last evaluated: 2017-12-17. Review status: criteria provided, single submitter. Criteria: Invitae Variant Classification Sherloc (09022015). Collection method: clinical testing. Allele origin: germline.
Comment: Loss-of-function variants in DMD are known to be pathogenic (PMID: 16770791, 25007885). This variant has not been reported in the literature in individuals with DMD-related disease. This variant is not present in population databases (ExAC no frequency). This sequence change creates a premature translational stop signal (p.Leu1131Asnfs*23) in the DMD gene. It is expected to result in an absent or disrupted protein product. For these reasons, this variant has been classified as Pathogenic.

Literature cited by the submitters: PubMed 16770791 (cited by Labcorp Genetics (formerly Invitae), Labcorp); PubMed 25007885 (cited by Labcorp Genetics (formerly Invitae), Labcorp).